The following is an entry in ClinVar:

NM_015450.3(POT1):c.861A>T (p.Gln287His)

Gene: POT1 (protection of telomeres 1; minus strand). Cytogenetic location: 7q31.33.
Variant type: single nucleotide variant.
Coding change: c.861A>T on transcript NM_015450.3 (MANE Select); coding-DNA position 861, A replaced by T.
Protein change: p.Gln287His; replaces glutamine 287 with histidine.
Molecular consequence: missense variant. On other transcripts: non-coding transcript variant (3).
Genome position (GRCh38, 1-based): chr7:124,852,980, T>A on the plus strand (A>T on the coding strand, the complement: POT1 is on the minus strand). VCF-style: chr7-124852980-T-A. GRCh37 (hg19) VCF-style: chr7-124493034-T-A.
Other names: c.468A>T, p.Gln156His (NM_001042594.2); short protein forms Q287H, Q156H.
Identifiers: ClinVar variation 3709633 (VCV003709633.2).

ClinVar aggregate classification (germline): Uncertain significance (1 of 4 stars; one submission).

Conditions:
Tumor predisposition syndrome 3 (TPDS3). Also called: Glioma susceptibility 9; LONG TELOMERE SYNDROME, POT1-RELATED; POT1 Tumor Predisposition; Melanoma, cutaneous malignant, susceptibility to, 10. Identifiers: Orphanet 618, MedGen C4014476, MONDO:0014368, OMIM 615848.

Submission:

Labcorp Genetics (formerly Invitae), Labcorp
Classification: Uncertain significance for Tumor predisposition syndrome 3. Last evaluated: 2024-10-31. Review status: criteria provided, single submitter. Criteria: Invitae Variant Classification Sherloc (09022015). Collection method: clinical testing. Allele origin: germline.
Comment: This sequence change replaces glutamine, which is neutral and polar, with histidine, which is basic and polar, at codon 287 of the POT1 protein (p.Gln287His). This variant is not present in population databases (gnomAD no frequency). This variant has not been reported in the literature in individuals affected with POT1-related conditions. Invitae Evidence Modeling of protein sequence and biophysical properties (such as structural, functional, and spatial information, amino acid conservation, physicochemical variation, residue mobility, and thermodynamic stability) indicates that this missense variant is not expected to disrupt POT1 protein function with a negative predictive value of 80%. In summary, the available evidence is currently insufficient to determine the role of this variant in disease. Therefore, it has been classified as a Variant of Uncertain Significance.